The following is an entry in ClinVar:

NM_005027.4(PIK3R2):c.2169GCC[1] (p.Pro725del)

Gene: PIK3R2 (phosphoinositide-3-kinase regulatory subunit 2; plus strand). Cytogenetic location: 19p13.11.
Variant type: Microsatellite.
Coding change: c.2169GCC[1] on transcript NM_005027.4 (MANE Select); one copy of the 3-base unit GCC starting at c.2169; the reference has two copies in a row; one copy, 3 bases deleted.
Protein change: p.Pro725del; deletes proline 725.
Molecular consequence: inframe deletion. On other transcripts: non-coding transcript variant (2).
Genome position (GRCh38, 1-based): chr19:18,169,279-18,169,281, GCC deleted; deleting any 3 consecutive bases within chr19:18,169,274-18,169,281 gives the same sequence; the position shown is the placement nearest the transcript's 3' end. VCF-style (leftmost placement, unchanged base first): chr19-18169273-CCCG-C. GRCh37 (hg19) VCF-style: chr19-18280083-CCCG-C.
Other names: short protein forms P725del.
Identifiers: ClinVar variation 2834253 (VCV002834253.3), dbSNP rs2513574144, ClinGen allele CA2739276616.

ClinVar aggregate classification (germline): Uncertain significance (1 of 4 stars; one submission).

Conditions:
Megalencephaly-polymicrogyria-postaxial polydactyly-hydrocephalus syndrome. Also called: MEG-PMG-MEGACC SYNDROME; MPPH Syndrome. Identifiers: Orphanet 83473, MedGen C1863924, MONDO:0019375.

Submission:

Labcorp Genetics (formerly Invitae), Labcorp
Classification: Uncertain significance for Megalencephaly-polymicrogyria-postaxial polydactyly-hydrocephalus syndrome. Last evaluated: 2023-02-03. Review status: criteria provided, single submitter. Criteria: Invitae Variant Classification Sherloc (09022015). Collection method: clinical testing. Allele origin: germline.
Comment: This variant, c.2172_2174del, results in the deletion of 1 amino acid(s) of the PIK3R2 protein (p.Pro725del), but otherwise preserves the integrity of the reading frame. This variant is not present in population databases (gnomAD no frequency). This variant has not been reported in the literature in individuals affected with PIK3R2-related conditions. Experimental studies and prediction algorithms are not available or were not evaluated, and the functional significance of this variant is currently unknown. In summary, the available evidence is currently insufficient to determine the role of this variant in disease. Therefore, it has been classified as a Variant of Uncertain Significance.